The following is an entry in ClinVar:

NM_020754.4(ARHGAP31):c.2974C>A (p.Pro992Thr)

Gene: ARHGAP31 (Rho GTPase activating protein 31; plus strand). Cytogenetic location: 3q13.33.
Variant type: single nucleotide variant.
Coding change: c.2974C>A on transcript NM_020754.4 (MANE Select); coding-DNA position 2974, C replaced by A.
Protein change: p.Pro992Thr; replaces proline 992 with threonine.
Molecular consequence: missense variant.
Genome position (GRCh38, 1-based): chr3:119,414,903, C>A. VCF-style: chr3-119414903-C-A. GRCh37 (hg19) VCF-style: chr3-119133750-C-A.
Other names: short protein forms P992T.
Identifiers: ClinVar variation 3651176 (VCV003651176.2).

ClinVar aggregate classification (germline): Uncertain significance (1 of 4 stars; one submission).

Submission:

Labcorp Genetics (formerly Invitae), Labcorp
Classification: Uncertain significance. Last evaluated: 2024-05-02. Review status: criteria provided, single submitter. Criteria: Invitae Variant Classification Sherloc (09022015). Collection method: clinical testing. Allele origin: germline.
Comment: This sequence change replaces proline, which is neutral and non-polar, with threonine, which is neutral and polar, at codon 992 of the ARHGAP31 protein (p.Pro992Thr). This variant is not present in population databases (gnomAD no frequency). This variant has not been reported in the literature in individuals affected with ARHGAP31-related conditions. An algorithm developed to predict the effect of missense changes on protein structure and function (PolyPhen-2) suggests that this variant is likely to be tolerated. In summary, the available evidence is currently insufficient to determine the role of this variant in disease. Therefore, it has been classified as a Variant of Uncertain Significance.